The following is an entry in ClinVar:

NM_022371.4(TOR3A):c.1069C>T (p.Leu357=)

Gene: TOR3A (torsin family 3 member A; plus strand). Cytogenetic location: 1q25.2.
Variant type: single nucleotide variant.
Coding change: c.1069C>T on transcript NM_022371.4 (MANE Select); coding-DNA position 1069, C replaced by T.
Protein change: p.Leu357=; no amino-acid change (leucine 357 retained).
Molecular consequence: synonymous variant.
Genome position (GRCh38, 1-based): chr1:179,095,093, C>T. VCF-style: chr1-179095093-C-T. GRCh37 (hg19) VCF-style: chr1-179064228-C-T.
Identifiers: ClinVar variation 3025198 (VCV003025198.22), dbSNP rs146269781, ClinGen allele CA1264344.

ClinVar aggregate classification (germline): Likely benign (1 of 4 stars; one submission).

Allele frequency attached by ClinVar (database versions not stated): gnomAD exomes 0.00013; TOPMed 0.00013; ESP Exome Variant Server 0.00015; gnomAD 0.00017; ExAC 0.00025.
gnomAD v4.1: 234 of 1,614,190 alleles (0.014%); highest among the groups gnomAD compares: Middle Eastern, 0.016%; no homozygotes.

Submission:

CeGaT Center for Human Genetics Tuebingen
Classification: Likely benign. Last evaluated: 2024-01-01. Review status: criteria provided, single submitter. Criteria: CeGaT Center For Human Genetics Tuebingen Variant Classification Criteria Version 2. Collection method: clinical testing. Allele origin: germline. Affected: yes. Observed: 1 variant allele.
Comment: TOR3A: BP4, BP7